The following is an entry in ClinVar:

NM_144631.6(ZNF513):c.485C>T (p.Ser162Leu)

Gene: ZNF513 (zinc finger protein 513; minus strand). Cytogenetic location: 2p23.3.
Variant type: single nucleotide variant.
Coding change: c.485C>T on transcript NM_144631.6 (MANE Select); coding-DNA position 485, C replaced by T.
Protein change: p.Ser162Leu; replaces serine 162 with leucine.
Molecular consequence: missense variant.
Genome position (GRCh38, 1-based): chr2:27,378,781, G>A on the plus strand (C>T on the coding strand, the complement: ZNF513 is on the minus strand). VCF-style: chr2-27378781-G-A. GRCh37 (hg19) VCF-style: chr2-27601648-G-A.
Other names: c.299C>T, p.Ser100Leu (NM_001201459.2); short protein forms S100L, S162L.
Identifiers: ClinVar variation 1485844 (VCV001485844.6), dbSNP rs771059373, ClinGen allele CA1578044.

ClinVar aggregate classification (germline): Uncertain significance (1 of 4 stars; one submission).

Allele frequency attached by ClinVar (database versions not stated): TOPMed below 0.00001.
gnomAD v4.1: 10 of 1,613,946 alleles (0.00062%); highest among the groups gnomAD compares: South Asian, 0.0033%; no homozygotes.

Submission:

Labcorp Genetics (formerly Invitae), Labcorp
Classification: Uncertain significance. Last evaluated: 2023-09-28. Review status: criteria provided, single submitter. Criteria: Invitae Variant Classification Sherloc (09022015). Collection method: clinical testing. Allele origin: germline.
Comment: This sequence change replaces serine, which is neutral and polar, with leucine, which is neutral and non-polar, at codon 162 of the ZNF513 protein (p.Ser162Leu). This variant is present in population databases (rs771059373, gnomAD 0.003%). This variant has not been reported in the literature in individuals affected with ZNF513-related conditions. ClinVar contains an entry for this variant (Variation ID: 1485844). An algorithm developed to predict the effect of missense changes on protein structure and function (PolyPhen-2) suggests that this variant is likely to be tolerated. In summary, the available evidence is currently insufficient to determine the role of this variant in disease. Therefore, it has been classified as a Variant of Uncertain Significance.